The following is an entry in ClinVar:

ClinVar aggregate classification (germline): Uncertain significance. Review status: criteria provided, multiple submitters, no conflicts (2 of 4 stars). 2 submissions from 2 submitters: Uncertain significance (2). Last evaluated 2025-08-23.

Conditions:
Inborn genetic diseases. Identifiers: MedGen C0950123, MeSH D030342.

Allele frequency attached by ClinVar (database versions not stated): ExAC 0.00001; gnomAD 0.00002; TOPMed 0.00002.
gnomAD v4.1: 10 of 1,613,062 alleles (0.00062%); highest among the groups gnomAD compares: African/African-American, 0.0013%; no homozygotes.

Submissions (2):

Ambry Genetics
Classification: Uncertain significance for Inborn genetic diseases. Last evaluated: 2025-08-23. Review status: criteria provided, single submitter. Criteria: Ambry Variant Classification Scheme 2023. Collection method: clinical testing. Allele origin: germline.

Labcorp Genetics (formerly Invitae), Labcorp
Classification: Uncertain significance. Last evaluated: 2022-08-09. Review status: criteria provided, single submitter. Criteria: Invitae Variant Classification Sherloc (09022015). Collection method: clinical testing. Allele origin: germline.
Comment: This sequence change replaces glutamic acid, which is acidic and polar, with glutamine, which is neutral and polar, at codon 1838 of the MCM3AP protein (p.Glu1838Gln). This variant is present in population databases (rs771411919, gnomAD 0.007%). This variant has not been reported in the literature in individuals affected with MCM3AP-related conditions. Algorithms developed to predict the effect of missense changes on protein structure and function (SIFT, PolyPhen-2, Align-GVGD) all suggest that this variant is likely to be tolerated. In summary, the available evidence is currently insufficient to determine the role of this variant in disease. Therefore, it has been classified as a Variant of Uncertain Significance.

NM_003906.5(MCM3AP):c.5512G>C (p.Glu1838Gln)

Genes: MCM3AP (minichromosome maintenance complex component 3 associated protein; minus strand), MCM3AP-AS1 (MCM3AP antisense RNA 1; plus strand). Cytogenetic location: 21q22.3.
Variant type: single nucleotide variant.
Coding change: c.5512G>C on transcript NM_003906.5 (MANE Select); coding-DNA position 5512, G replaced by C.
Protein change: p.Glu1838Gln; replaces glutamic acid 1838 with glutamine.
Molecular consequence: missense variant. On other transcripts: non-coding transcript variant (4).
Genome position (GRCh38, 1-based): chr21:46,240,932, C>G on the plus strand (G>C on the coding strand, the complement: MCM3AP is on the minus strand). VCF-style: chr21-46240932-C-G. GRCh37 (hg19) VCF-style: chr21-47660846-C-G.
Other names: c.5512G>C (NM_003906.3); short protein forms E1838Q.
Identifiers: ClinVar variation 2166296 (VCV002166296.2), dbSNP rs771411919, ClinGen allele CA10075830.